The following is an entry in ClinVar:

NM_000295.5(SERPINA1):c.-5+1G>A

Gene: SERPINA1 (serpin family A member 1; minus strand). Cytogenetic location: 14q32.13.
Variant type: single nucleotide variant.
Coding change: c.-5+1G>A on transcript NM_000295.5 (MANE Select); the canonical splice donor site of the intron after 5 bases upstream of the start codon, G replaced by A.
Molecular consequence: splice donor variant. On other transcripts: intron variant (2).
Genome position (GRCh38, 1-based): chr14:94,388,559, C>T on the plus strand (G>A on the coding strand, the complement: SERPINA1 is on the minus strand). VCF-style: chr14-94388559-C-T. GRCh37 (hg19) VCF-style: chr14-94854896-C-T.
Other names: c.-5+1898G>A (NM_001002235.3); c.-5+1G>A (NM_001127707.2, NM_001127706.2, NM_001127704.2 and 6 more transcripts); c.-5+1861G>A (NM_001127700.2).
Identifiers: ClinVar variation 2137619 (VCV002137619.10), dbSNP rs775786225, ClinGen allele CA265865286.
Genomic context (GRCh38, chr14:94,388,559, plus strand): 5'-CCTGGGCCATGGGGAGCTCAGAAGCCTCTCCAGAACCTCTCGCAGTGAAAGGCATACTTA[C>T]GATTCACTGTCCCAGGTCAGTGGTGGTGCCTGAAGCTGAGGAGACAGGGCCCTGTCCTCG-3'

ClinVar aggregate classification (germline): Pathogenic/Likely pathogenic. Review status: criteria provided, multiple submitters, no conflicts (2 of 4 stars). 4 submissions from 4 submitters: Pathogenic (3); Likely pathogenic (1). Last evaluated 2026-08-15.

Conditions:
Alpha-1-antitrypsin deficiency (A1ATD). Also called: AAT deficiency; A1AT deficiency; Alpha1-Antitrypsin Deficiency. Identifiers: Orphanet 60, MedGen C0221757, MONDO:0013282, OMIM 613490.
SERPINA1-related disorder. Also called: SERPINA1-related condition; SerpinA1-related disorders.

Allele frequency attached by ClinVar (database versions not stated): TOPMed below 0.00001.
gnomAD v4.1: 3 of 152,300 alleles (0.002%); highest among the groups gnomAD compares: Admixed American, 0.0065%; no homozygotes.

Submissions (4):

PreventionGenetics, part of Exact Sciences
Classification: Pathogenic for SERPINA1-related condition. Last evaluated: 2026-08-15. Review status: criteria provided, single submitter. Criteria: ACMG Guidelines, 2015. Collection method: clinical testing. Allele origin: germline.
Comment: The SERPINA1 c.-5+1G>A variant is located in the 5' untranslated region. This variant, also described as IVS1C+1G>A and Q0-Porto in the literature has been reported in the compound heterozygous state with a second SERPINA1 variant in individuals with alpha-1-antitrypsin deficiency (Seixas et al. 2002. PubMed ID: 12220457; Lara et al. 2014. PubMed ID: 25287719). RT-PCR studies have demonstrated that this variant leads to altered splicing of pre-coding SERPINA1 exons involved in liver tissue-specific transcription initiation (Seixas et al. 2002. PubMed ID: 12220457). This variant has not been reported in a large population database (gnomAD), indicating this variant is rare. Taken together, this variant is interpreted as pathogenic.

Labcorp Genetics (formerly Invitae), Labcorp
Classification: Pathogenic for Alpha-1-antitrypsin deficiency. Last evaluated: 2025-08-24. Review status: criteria provided, single submitter. Criteria: Invitae Variant Classification Sherloc (09022015). Collection method: clinical testing. Allele origin: germline.
Comment: This variant occurs in a non-coding region of the SERPINA1 gene. It does not change the encoded amino acid sequence of the SERPINA1 protein. It affects a nucleotide within the consensus splice site. This variant is not present in population databases (gnomAD no frequency). This variant has been observed in individual(s) with clinical features consistent with SERPINA1 related conditions (PMID: 12220457; internal data). In at least one individual the data is consistent with being in trans (on the opposite chromosome) from a pathogenic variant. ClinVar contains an entry for this variant (Variation ID: 2137619). Studies have shown that this variant does not significantly alter or has an unclear effect on SERPINA1 gene expression (PMID: 12220457). Variants that disrupt the consensus splice site are a relatively common cause of aberrant splicing (PMID: 17576681, 9536098). Algorithms developed to predict the effect of sequence changes on RNA splicing suggest that this variant may disrupt the consensus splice site. For these reasons, this variant has been classified as Pathogenic.

GeneDx
Classification: Pathogenic. Last evaluated: 2025-04-08. Review status: criteria provided, single submitter. Criteria: GeneDx Variant Classification Process June 2021. Collection method: clinical testing. Allele origin: germline. Affected: yes.
Comment: Canonical splice site variant predicted to result in a null allele in a gene for which loss of function is a known mechanism of disease (PMID: 25287719); No data available from control populations to assess the frequency of this variant; Also known as Q0-Porto; This variant is associated with the following publications: (PMID: 25525159, 12220457, 32680720, 27296815, 37021142, 25287719, 37688579)

Laboratory for Molecular Medicine, Mass General Brigham Personalized Medicine
Classification: Likely pathogenic for Alpha-1-antitrypsin deficiency. Last evaluated: 2015-04-03. Review status: criteria provided, single submitter. Criteria: ACMG Guidelines, 2015. Collection method: clinical testing. Allele origin: germline. Inheritance: Autosomal recessive inheritance.
Comment: The c.-5+1G>A variant in SERPINA1 has been previously reported in 1 compound heterozygous individual with emphysema and in 1 compound heterozygous individual with chronic obstructive pulmonary disease (COPD), and segregated with disease in 1 compound heterozygous individual with COPD (Seixas 2002, Lara 2014). Data from large population studies is insufficient to assess the frequency of this variant. This variant occurs in the invariant region (+/- 1, 2) of the splice consensus sequence of a non-coding exon and functional studies indicate this variant leads to altered splicing which is predicted to lead to an abnormal or absent protein (Lara 2014). In summary, although additional studies are required to fully establish its clinical significance, the c.-5+1G>A variant is likely pathogenic.

Literature cited by the submitters: PubMed 12220457 (cited by Labcorp Genetics (formerly Invitae), Labcorp and Laboratory for Molecular Medicine, Mass General Brigham Personalized Medicine); PubMed 17576681 (cited by Labcorp Genetics (formerly Invitae), Labcorp); PubMed 9536098 (cited by Labcorp Genetics (formerly Invitae), Labcorp); PubMed 25287719 (cited by Laboratory for Molecular Medicine, Mass General Brigham Personalized Medicine).